The following is an entry in ClinVar:

NM_152703.5(SAMD9L):c.2179G>A (p.Glu727Lys)

Gene: SAMD9L (sterile alpha motif domain containing 9 like; minus strand). Cytogenetic location: 7q21.2.
Variant type: single nucleotide variant.
Coding change: c.2179G>A on transcript NM_152703.5 (MANE Select); coding-DNA position 2179, G replaced by A.
Protein change: p.Glu727Lys; replaces glutamic acid 727 with lysine.
Molecular consequence: missense variant.
Genome position (GRCh38, 1-based): chr7:93,133,793, C>T on the plus strand (G>A on the coding strand, the complement: SAMD9L is on the minus strand). VCF-style: chr7-93133793-C-T. GRCh37 (hg19) VCF-style: chr7-92763106-C-T.
Other names: c.2179G>A, p.Glu727Lys (NM_001303496.3, NM_001303497.3, NM_001303498.3 and 5 more transcripts); short protein forms E727K.
Identifiers: ClinVar variation 2793337 (VCV002793337.3), dbSNP rs1205806599, ClinGen allele CA368192380.

ClinVar aggregate classification (germline): Uncertain significance (1 of 4 stars; one submission).

Allele frequency attached by ClinVar (database versions not stated): gnomAD exomes below 0.00001.

Submission:

Labcorp Genetics (formerly Invitae), Labcorp
Classification: Uncertain significance. Last evaluated: 2023-09-17. Review status: criteria provided, single submitter. Criteria: Invitae Variant Classification Sherloc (09022015). Collection method: clinical testing. Allele origin: germline.
Comment: Advanced modeling of protein sequence and biophysical properties (such as structural, functional, and spatial information, amino acid conservation, physicochemical variation, residue mobility, and thermodynamic stability) performed at Invitae indicates that this missense variant is not expected to disrupt SAMD9L protein function. This sequence change replaces glutamic acid, which is acidic and polar, with lysine, which is basic and polar, at codon 727 of the SAMD9L protein (p.Glu727Lys). This variant is not present in population databases (gnomAD no frequency). This variant has not been reported in the literature in individuals affected with SAMD9L-related conditions. In summary, the available evidence is currently insufficient to determine the role of this variant in disease. Therefore, it has been classified as a Variant of Uncertain Significance.